The following is an entry in ClinVar:

ClinVar aggregate classification (germline): Uncertain significance (1 of 4 stars; one submission).

Conditions:
Inborn genetic diseases. Identifiers: MedGen C0950123, MeSH D030342.

gnomAD v4.1: 3 of 1,612,428 alleles (0.00019%); highest among the groups gnomAD compares: African/African-American, 0.0027%; no homozygotes.

Submission:

Ambry Genetics
Classification: Uncertain significance for Inborn genetic diseases. Last evaluated: 2024-11-18. Review status: criteria provided, single submitter. Criteria: Ambry Variant Classification Scheme 2023. Collection method: clinical testing. Allele origin: germline.
Comment: The p.R866K variant (also known as c.2597G>A), located in coding exon 27 of the RTEL1 gene, results from a G to A substitution at nucleotide position 2597. The arginine at codon 866 is replaced by lysine, an amino acid with highly similar properties. This amino acid position is conserved. In addition, this alteration is predicted to be tolerated by in silico analysis. Based on the available evidence, the clinical significance of this variant remains unclear.

NM_001283009.2(RTEL1):c.2597G>A (p.Arg866Lys)

Genes: RTEL1 (regulator of telomere elongation helicase 1; plus strand), RTEL1-TNFRSF6B (RTEL1-TNFRSF6B readthrough (NMD candidate); plus strand). Cytogenetic location: 20q13.33.
Variant type: single nucleotide variant.
Coding change: c.2597G>A on transcript NM_001283009.2 (MANE Select); coding-DNA position 2597, G replaced by A.
Protein change: p.Arg866Lys; replaces arginine 866 with lysine.
Molecular consequence: missense variant. On other transcripts: non-coding transcript variant (1).
Genome position (GRCh38, 1-based): chr20:63,691,782, G>A. VCF-style: chr20-63691782-G-A. GRCh37 (hg19) VCF-style: chr20-62323135-G-A.
Other names: c.1928G>A, p.Arg643Lys (NM_001283010.1); c.2597G>A, p.Arg866Lys (NM_016434.4); c.2669G>A, p.Arg890Lys (NM_032957.5); short protein forms R890K, R643K, R866K.
Identifiers: ClinVar variation 3435934 (VCV003435934.1).
Genomic context (GRCh38, chr20:63,691,782, plus strand): 5'-GTGAGCTGTGTCCTCCTCAGGCCCACAGCTGCTCCACCCTGTCCCTCCTGTCTGAGAAGA[G>A]GCCGGCAGAAGAACCGCGAGGAGGGAGGAAGAAGATCCGGCTGGTCAGCCACCCGGTGCG-3'
Protein context (NP_001269938.1, residues 856-876): CSTLSLLSEK[Arg866Lys]PAEEPRGGRK